The following is an entry in ClinVar:

ClinVar aggregate classification (germline): Likely benign. Review status: criteria provided, multiple submitters, no conflicts (2 of 4 stars). 9 submissions from 6 submitters: Likely benign (9). Last evaluated 2024-09-23.

Conditions:
Hypokalemic periodic paralysis, type 1. Also called: HypoPP; Hypokalemic Periodic Paralysis Type 1 (AD). Identifiers: Orphanet 681, MedGen C3714580, MONDO:0042979, OMIM 170400.
Malignant hyperthermia, susceptibility to, 5 (MHS5). Also called: CACNA1S-Related Malignant Hyperthermia Susceptibility. Identifiers: Orphanet 423, MedGen C1866077, MONDO:0011163, OMIM 601887.
Congenital myopathy 18. Also called: Myopathy, congenital, due to dihydropyridine receptor defect; DIHYDROPYRIDINE RECEPTOR CONGENITAL MYOPATHY; DHPR CONGENITAL MYOPATHY. Identifiers: MedGen C5830283, MONDO:0859514, OMIM 620246.
Thyrotoxic periodic paralysis, susceptibility to, 1 (TTPP1). Identifiers: Orphanet 79102, MedGen C2749982, MONDO:0008570, OMIM 188580.

Allele frequency attached by ClinVar (database versions not stated): gnomAD exomes below 0.00001 and 0.00001; ExAC 0.00001; gnomAD 0.00003; TOPMed 0.00005.

Submissions (9):

Labcorp Genetics (formerly Invitae), Labcorp
Classification: Likely benign for Hypokalemic periodic paralysis, type 1; Malignant hyperthermia, susceptibility to, 5. Last evaluated: 2024-09-23. Review status: criteria provided, single submitter. Criteria: Invitae Variant Classification Sherloc (09022015). Collection method: clinical testing. Allele origin: germline.

All of Us Research Program, National Institutes of Health
Classification: Likely benign for Malignant hyperthermia, susceptibility to, 5. Last evaluated: 2023-12-18. Review status: criteria provided, single submitter. Criteria: ACMG Guidelines, 2015. Collection method: clinical testing. Allele origin: germline. Inheritance: Autosomal dominant inheritance. Observed: 1 variant allele, 1 heterozygote.
Comment: This study involves interpretation of variants in research participants for the purpose of population health screening. Participant phenotype was not available at the time of variant classification. Additional details can be found in publication PMID: 35346344, PMCID: PMC8962531

CeGaT Center for Human Genetics Tuebingen
Classification: Likely benign. Last evaluated: 2023-12-01. Review status: criteria provided, single submitter. Criteria: CeGaT Center For Human Genetics Tuebingen Variant Classification Criteria Version 2. Collection method: clinical testing. Allele origin: germline. Affected: yes. Observed: 1 variant allele.
Comment: CACNA1S: BP4, BP7

Genome-Nilou Lab
Classification: Likely benign for Malignant hyperthermia, susceptibility to, 5. Last evaluated: 2023-04-11. Review status: criteria provided, single submitter. Criteria: ACMG Guidelines, 2015. Collection method: clinical testing. Allele origin: germline. Affected: no.

Genome-Nilou Lab
Classification: Likely benign for Thyrotoxic periodic paralysis, susceptibility to, 1. Last evaluated: 2023-04-11. Review status: criteria provided, single submitter. Criteria: ACMG Guidelines, 2015. Collection method: clinical testing. Allele origin: germline. Affected: no.

Genome-Nilou Lab
Classification: Likely benign for Congenital myopathy 18. Last evaluated: 2023-04-11. Review status: criteria provided, single submitter. Criteria: ACMG Guidelines, 2015. Collection method: clinical testing. Allele origin: germline. Affected: no.

Genome-Nilou Lab
Classification: Likely benign for Hypokalemic periodic paralysis, type 1. Last evaluated: 2023-04-11. Review status: criteria provided, single submitter. Criteria: ACMG Guidelines, 2015. Collection method: clinical testing. Allele origin: germline. Affected: no.

Color Diagnostics, LLC DBA Color Health
Classification: Likely benign for Malignant hyperthermia, susceptibility to, 5. Last evaluated: 2022-11-06. Review status: criteria provided, single submitter. Criteria: ACMG Guidelines, 2015. Collection method: clinical testing. Allele origin: germline.

GeneDx
Classification: Likely benign. Last evaluated: 2016-07-29. Review status: criteria provided, single submitter. Criteria: GeneDx Variant Classification (06012015). Collection method: clinical testing. Allele origin: germline. Affected: yes.
Comment: This variant is considered likely benign or benign based on one or more of the following criteria: it is a conservative change, it occurs at a poorly conserved position in the protein, it is predicted to be benign by multiple in silico algorithms, and/or has population frequency not consistent with disease.

NM_000069.3(CACNA1S):c.588C>G (p.Leu196=)

Gene: CACNA1S (calcium voltage-gated channel subunit alpha1 S; minus strand). Cytogenetic location: 1q32.1.
Variant type: single nucleotide variant.
Coding change: c.588C>G on transcript NM_000069.3 (MANE Select); coding-DNA position 588, C replaced by G.
Protein change: p.Leu196=; no amino-acid change (leucine 196 retained).
Molecular consequence: synonymous variant.
Genome position (GRCh38, 1-based): chr1:201,091,746, G>C on the plus strand (C>G on the coding strand, the complement: CACNA1S is on the minus strand). VCF-style: chr1-201091746-G-C. GRCh37 (hg19) VCF-style: chr1-201060874-G-C.
Identifiers: ClinVar variation 388003 (VCV000388003.34), dbSNP rs746654928, ClinGen allele CA083918.